The following is an entry in ClinVar:

ClinVar aggregate classification (germline): Uncertain significance (1 of 4 stars; one submission).

Submission:

GeneDx
Classification: Uncertain significance. Last evaluated: 2020-06-22. Review status: criteria provided, single submitter. Criteria: GeneDx Variant Classification Process June 2021. Collection method: clinical testing. Allele origin: germline. Affected: yes.
Comment: Not observed in large population cohorts (Lek et al., 2016); In silico analysis supports that this missense variant has a deleterious effect on protein structure/function; Has not been previously published as pathogenic or benign to our knowledge

NM_198904.4(GABRG2):c.557T>C (p.Ile186Thr)

Gene: GABRG2 (gamma-aminobutyric acid type A receptor subunit gamma2; plus strand). Cytogenetic location: 5q34.
Variant type: single nucleotide variant.
Coding change: c.557T>C on transcript NM_198904.4 (MANE Select); coding-DNA position 557, T replaced by C.
Protein change: p.Ile186Thr; replaces isoleucine 186 with threonine.
Molecular consequence: missense variant.
Genome position (GRCh38, 1-based): chr5:162,101,243, T>C. VCF-style: chr5-162101243-T-C. GRCh37 (hg19) VCF-style: chr5-161528249-T-C.
Other names: c.557T>C, p.Ile186Thr (NM_000816.3, NM_001375340.1, NM_001375341.1 and 4 more transcripts); c.548T>C, p.Ile183Thr (NM_001375339.1); c.491T>C, p.Ile164Thr (NM_001375345.1, NM_001375346.1); c.470T>C, p.Ile157Thr (NM_001375347.1); c.137T>C, p.Ile46Thr (NM_001375348.1, NM_001375350.1); c.272T>C, p.Ile91Thr (NM_001375349.1); short protein forms I157T, I164T, I183T, I186T, I46T, I91T.
Identifiers: ClinVar variation 1312739 (VCV001312739.2), dbSNP rs2113352303, ClinGen allele CA362184504.